The following is an entry in ClinVar:

ClinVar aggregate classification (germline): Uncertain significance. Review status: criteria provided, multiple submitters, no conflicts (2 of 4 stars). 2 submissions from 2 submitters: Uncertain significance (2). Last evaluated 2024-12-23.

Conditions:
Aicardi-Goutieres syndrome 7 (AGS7). Identifiers: Orphanet 51, MedGen C3888244, MONDO:0014367, OMIM 615846.
Singleton-Merten syndrome 1 (SGMRT1). Also called: Widened medullary cavities of bone, aortic calcification, abnormal dentition, and muscular weakness; Syndrome of widened medullary cavities of the metacarpals and phalanges, aortic calcification and abnormal dentition. Identifiers: Orphanet 85191, MedGen C4225427, MONDO:0024535, OMIM 182250.
Immunodeficiency 95 (IMD95). Identifiers: MedGen C5676929, MONDO:0030692, OMIM 619773.

Allele frequency attached by ClinVar (database versions not stated): gnomAD exomes below 0.00001 and 0.00001; TOPMed 0.00001.
gnomAD v4.1: 13 of 1,612,600 alleles (0.00081%); highest among the groups gnomAD compares: Non-Finnish European, 0.001%; no homozygotes.

Submissions (2):

Labcorp Genetics (formerly Invitae), Labcorp
Classification: Uncertain significance for Aicardi-Goutieres syndrome 7; Singleton-Merten syndrome 1. Last evaluated: 2024-12-23. Review status: criteria provided, single submitter. Criteria: Invitae Variant Classification Sherloc (09022015). Collection method: clinical testing. Allele origin: germline.
Comment: This sequence change replaces valine, which is neutral and non-polar, with methionine, which is neutral and non-polar, at codon 478 of the IFIH1 protein (p.Val478Met). This variant is present in population databases (no rsID available, gnomAD 0.0009%). This variant has not been reported in the literature in individuals affected with IFIH1-related conditions. This missense change has been observed in at least one individual who was not affected with IFIH1-related conditions (internal data). ClinVar contains an entry for this variant (Variation ID: 1047466). Invitae Evidence Modeling of protein sequence and biophysical properties (such as structural, functional, and spatial information, amino acid conservation, physicochemical variation, residue mobility, and thermodynamic stability) has been performed for this missense variant. However, the output from this modeling did not meet the statistical confidence thresholds required to predict the impact of this variant on IFIH1 protein function. In summary, the available evidence is currently insufficient to determine the role of this variant in disease. Therefore, it has been classified as a Variant of Uncertain Significance.

Department of Pathology and Laboratory Medicine, Sinai Health System
Classification: Uncertain significance for Singleton-Merten syndrome 1; Aicardi-Goutieres syndrome 7; Immunodeficiency 95. Last evaluated: 2023-11-26. Review status: criteria provided, single submitter. Criteria: ACMG Guidelines, 2015. Collection method: research. Allele origin: germline.

NM_022168.4(IFIH1):c.1432G>A (p.Val478Met)

Gene: IFIH1 (interferon induced with helicase C domain 1; minus strand). Cytogenetic location: 2q24.2.
Variant type: single nucleotide variant.
Coding change: c.1432G>A on transcript NM_022168.4 (MANE Select); coding-DNA position 1432, G replaced by A.
Protein change: p.Val478Met; replaces valine 478 with methionine.
Molecular consequence: missense variant.
Genome position (GRCh38, 1-based): chr2:162,281,420, C>T on the plus strand (G>A on the coding strand, the complement: IFIH1 is on the minus strand). VCF-style: chr2-162281420-C-T. GRCh37 (hg19) VCF-style: chr2-163137930-C-T.
Other names: short protein forms V478M.
Identifiers: ClinVar variation 1047466 (VCV001047466.9), dbSNP rs1018712289, ClinGen allele CA59664847.